The following is an entry in ClinVar:

ClinVar aggregate classification (germline): Uncertain significance. Review status: criteria provided, multiple submitters, no conflicts (2 of 4 stars). 2 submissions from 2 submitters: Uncertain significance (2). Last evaluated 2023-06-07.

Conditions:
Wiedemann-Steiner syndrome (WDSTS). Also called: Growth deficiency and mental retardation with facial dysmorphism. Identifiers: Orphanet 319182, MedGen C1854630, MONDO:0011518, OMIM 605130.

Allele frequency attached by ClinVar (database versions not stated): gnomAD exomes below 0.00001.
gnomAD v4.1: 1 of 1,614,102 alleles (0.000062%); highest among the groups gnomAD compares: Non-Finnish European, 0.000085%; no homozygotes.

Submissions (2):

Laboratorio de Genetica e Diagnostico Molecular, Hospital Israelita Albert Einstein
Classification: Uncertain significance for Wiedemann-Steiner syndrome. Last evaluated: 2023-06-07. Review status: criteria provided, single submitter. Criteria: ACMG Guidelines, 2015. Collection method: clinical testing. Allele origin: germline. Affected: yes.
Comment: ACMG classification criteria: PM2 moderate, PP2 supporting, BP4 supporting

Labcorp Genetics (formerly Invitae), Labcorp
Classification: Uncertain significance. Last evaluated: 2022-09-24. Review status: criteria provided, single submitter. Criteria: Invitae Variant Classification Sherloc (09022015). Collection method: clinical testing. Allele origin: germline.
Comment: This sequence change replaces proline, which is neutral and non-polar, with serine, which is neutral and polar, at codon 1315 of the KMT2A protein (p.Pro1315Ser). This variant is not present in population databases (gnomAD no frequency). This variant has not been reported in the literature in individuals affected with KMT2A-related conditions. Advanced modeling of protein sequence and biophysical properties (such as structural, functional, and spatial information, amino acid conservation, physicochemical variation, residue mobility, and thermodynamic stability) performed at Invitae indicates that this missense variant is not expected to disrupt KMT2A protein function. In summary, the available evidence is currently insufficient to determine the role of this variant in disease. Therefore, it has been classified as a Variant of Uncertain Significance.

NM_001197104.2(KMT2A):c.3943C>T (p.Pro1315Ser)

Gene: KMT2A (lysine methyltransferase 2A; plus strand). Cytogenetic location: 11q23.3.
Variant type: single nucleotide variant.
Coding change: c.3943C>T on transcript NM_001197104.2 (MANE Select); coding-DNA position 3943, C replaced by T.
Protein change: p.Pro1315Ser; replaces proline 1315 with serine.
Molecular consequence: missense variant.
Genome position (GRCh38, 1-based): chr11:118,482,023, C>T. VCF-style: chr11-118482023-C-T. GRCh37 (hg19) VCF-style: chr11-118352738-C-T.
Other names: c.4042C>T, p.Pro1348Ser (NM_001412597.1); c.3943C>T, p.Pro1315Ser (NM_005933.4); short protein forms P1348S, P1315S.
Identifiers: ClinVar variation 1930174 (VCV001930174.6), dbSNP rs2134301520, ClinGen allele CA382828424.